The following is an entry in ClinVar:

ClinVar aggregate classification (germline): Uncertain significance (1 of 4 stars; one submission).

Conditions:
Familial intrahepatic cholestasis. Identifiers: Orphanet 284385, MedGen CN296401, MONDO:0017290.

Submission:

Genomenon, Inc
Classification: Uncertain significance for Familial intrahepatic cholestasis. Last evaluated: 2026-04-14. Review status: criteria provided, single submitter. Criteria: Genomenon Sequence Variant Interpretation Standards - Updated. Collection method: curation. Allele origin: germline. Affected: yes.
Comment: ABCB4 p.Ser1146Asn (c.3437G>A) is a missense variant that changes the amino acid at residue 1146 from Serine to Asparagine. This variant has been observed in at least one proband with an ABCB4-related disorder (PMID:36046230). It is absent or not present at a significant frequency in gnomAD. In silico models predict that this variant is not damaging. In conclusion, we classify ABCB4 p.Ser1146Asn (c.3437G>A) as a variant of uncertain significance.

Literature cited by the submitters: PubMed 36046230.

NM_000443.4(ABCB4):c.3437G>A (p.Ser1146Asn)

Gene: ABCB4 (ATP binding cassette subfamily B member 4; minus strand). Cytogenetic location: 7q21.12.
Variant type: single nucleotide variant.
Coding change: c.3437G>A on transcript NM_000443.4 (MANE Select); coding-DNA position 3437, G replaced by A.
Protein change: p.Ser1146Asn; replaces serine 1146 with asparagine.
Molecular consequence: missense variant.
Genome position (GRCh38, 1-based): chr7:87,406,337, C>T on the plus strand (G>A on the coding strand, the complement: ABCB4 is on the minus strand). VCF-style: chr7-87406337-C-T. GRCh37 (hg19) VCF-style: chr7-87035653-C-T.
Other names: c.3458G>A, p.Ser1153Asn (NM_018849.3); c.3296G>A, p.Ser1099Asn (NM_018850.3); short protein forms S1099N, S1146N, S1153N.
Identifiers: ClinVar variation 4846614 (VCV004846614.1).
Genomic context (GRCh38, chr7:87,406,337, plus strand): 5'-CTTTAACTTACGTGGGGTAACGTCTCGATGAAAGGATGTATGTTGGCAGCTTTGGCTGCA[C>T]TCACAATTTCATCCTGTGATACAACCCGGCTGTTGTCTCCATAGGCAATATTCTCGGCAA-3'
Protein context (NP_000434.1, residues 1136-1156): SRVVSQDEIV[Ser1146Asn]AAKAANIHPF